The following is an entry in ClinVar:

NM_001164508.2(NEB):c.943G>T (p.Asp315Tyr)

Gene: NEB (nebulin; minus strand). Cytogenetic location: 2q23.3.
Variant type: single nucleotide variant.
Coding change: c.943G>T on transcript NM_001164508.2 (MANE Select); coding-DNA position 943, G replaced by T.
Protein change: p.Asp315Tyr; replaces aspartic acid 315 with tyrosine.
Molecular consequence: missense variant.
Genome position (GRCh38, 1-based): chr2:151,709,748, C>A on the plus strand (G>T on the coding strand, the complement: NEB is on the minus strand). VCF-style: chr2-151709748-C-A. GRCh37 (hg19) VCF-style: chr2-152566262-C-A.
Other names: c.943G>T, p.Asp315Tyr (NM_001164507.2, NM_001271208.2, NM_004543.5); short protein forms D315Y.
Identifiers: ClinVar variation 2958805 (VCV002958805.3), dbSNP rs2552274627, ClinGen allele CA348786321.
Genomic context (GRCh38, chr2:151,709,748, plus strand): 5'-TTTTATACTCTGGTGTTTCGGTCTGCATGAAGTAGATCTGGTCTTTCATGTTTTCAAAAT[C>A]TTCCTGGTATTTCCTCTGTAAGACATCAGACAAGCTGAAGAACTGCTGTGGAAATGAACT-3'
Protein context (NP_001157980.2, residues 305-325): DNISTRKYQE[Asp315Tyr]FENMKDQIYF

ClinVar aggregate classification (germline): Uncertain significance (1 of 4 stars; one submission).

Conditions:
Nemaline myopathy 2 (NEM2). Also called: Nemaline myopathy 2, autosomal recessive. Identifiers: MedGen C1850569, MONDO:0009725, OMIM 256030.

Allele frequency attached by ClinVar (database versions not stated): gnomAD exomes 0.00001.
gnomAD v4.1: 13 of 1,599,410 alleles (0.00081%); highest among the groups gnomAD compares: Non-Finnish European, 0.0011%; no homozygotes.

Submission:

Labcorp Genetics (formerly Invitae), Labcorp
Classification: Uncertain significance for Nemaline myopathy 2. Last evaluated: 2023-08-19. Review status: criteria provided, single submitter. Criteria: Invitae Variant Classification Sherloc (09022015). Collection method: clinical testing. Allele origin: germline.
Comment: In summary, the available evidence is currently insufficient to determine the role of this variant in disease. Therefore, it has been classified as a Variant of Uncertain Significance. Experimental studies and prediction algorithms are not available or were not evaluated, and the functional significance of this variant is currently unknown. This variant has not been reported in the literature in individuals affected with NEB-related conditions. This variant is not present in population databases (gnomAD no frequency). This sequence change replaces aspartic acid, which is acidic and polar, with tyrosine, which is neutral and polar, at codon 315 of the NEB protein (p.Asp315Tyr).